The following is an entry in ClinVar:

ClinVar aggregate classification (germline): Uncertain significance. Review status: criteria provided, multiple submitters, no conflicts (2 of 4 stars). 2 submissions from 2 submitters: Uncertain significance (2). Last evaluated 2025-07-15.

Conditions:
Inborn genetic diseases. Identifiers: MedGen C0950123, MeSH D030342.

Allele frequency attached by ClinVar (database versions not stated): gnomAD 0.00001; gnomAD exomes 0.00001 and 0.00003; TOPMed 0.00003.
gnomAD v4.1: 39 of 1,613,968 alleles (0.0024%); highest among the groups gnomAD compares: Non-Finnish European, 0.0032%; no homozygotes.

Submissions (2):

Ambry Genetics
Classification: Uncertain significance for Inborn genetic diseases. Last evaluated: 2025-07-15. Review status: criteria provided, single submitter. Criteria: Ambry Variant Classification Scheme 2023. Collection method: clinical testing. Allele origin: germline.

Labcorp Genetics (formerly Invitae), Labcorp
Classification: Uncertain significance. Last evaluated: 2022-03-10. Review status: criteria provided, single submitter. Criteria: Invitae Variant Classification Sherloc (09022015). Collection method: clinical testing. Allele origin: germline.
Comment: This sequence change replaces glycine, which is neutral and non-polar, with alanine, which is neutral and non-polar, at codon 647 of the P3H2 protein (p.Gly647Ala). This variant is present in population databases (no rsID available, gnomAD 0.003%). This variant has not been reported in the literature in individuals affected with P3H2-related conditions. ClinVar contains an entry for this variant (Variation ID: 845471). Algorithms developed to predict the effect of missense changes on protein structure and function are either unavailable or do not agree on the potential impact of this missense change (SIFT: "Deleterious"; PolyPhen-2: "Probably Damaging"; Align-GVGD: "Class C0"). In summary, the available evidence is currently insufficient to determine the role of this variant in disease. Therefore, it has been classified as a Variant of Uncertain Significance.

NM_018192.4(P3H2):c.1940G>C (p.Gly647Ala)

Gene: P3H2 (prolyl 3-hydroxylase 2; minus strand). Cytogenetic location: 3q28.
Variant type: single nucleotide variant.
Coding change: c.1940G>C on transcript NM_018192.4 (MANE Select); coding-DNA position 1940, G replaced by C.
Protein change: p.Gly647Ala; replaces glycine 647 with alanine.
Molecular consequence: missense variant.
Genome position (GRCh38, 1-based): chr3:189,964,052, C>G on the plus strand (G>C on the coding strand, the complement: P3H2 is on the minus strand). VCF-style: chr3-189964052-C-G. GRCh37 (hg19) VCF-style: chr3-189681841-C-G.
Other names: c.1397G>C, p.Gly466Ala (NM_001134418.2); short protein forms G466A, G647A.
Identifiers: ClinVar variation 845471 (VCV000845471.5), dbSNP rs1019382778, ClinGen allele CA89716049.
Genomic context (GRCh38, chr3:189,964,052, plus strand): 5'-AGAGCCACAGCACACCTCTTTCCCTTGGTGACTGCCTTCACCCCATGAGGGTTCTCTCCT[C>G]CAGATGAGAAGCTGATCATGCGCCCACATTTTGGTTTTATAGAGGCCTGAGAAAGAAAGC-3'
Protein context (NP_060662.2, residues 637-657): KCGRMISFSS[Gly647Ala]GENPHGVKAV